The following is an entry in ClinVar:

ClinVar aggregate classification (germline): Uncertain significance. Review status: criteria provided, multiple submitters, no conflicts (2 of 4 stars). 10 submissions from 5 submitters: Uncertain significance (9). 1 of the submissions does not count toward it. Last evaluated 2024-06-14.

Conditions:
TTN-related disorder. Also called: TTN-related condition; TTN-related disease; TTN-related disorders.
Early-onset myopathy with fatal cardiomyopathy (CMYO5). Also called: CONGENITAL MYOPATHY 5 WITH CARDIOMYOPATHY; Salih Myopathy. Identifiers: Orphanet 289377, MedGen C2673677, MONDO:0012714, OMIM 611705. Disease mechanism: loss of function.
Myopathy, myofibrillar, 9, with early respiratory failure (MFM9). Also called: Myopathy, distal, with early respiratory failure, autosomal dominant; EDSTROM MYOPATHY; MYOPATHY, PROXIMAL, WITH EARLY RESPIRATORY MUSCLE INVOLVEMENT; Hereditary myopathy with early respiratory failure. Identifiers: Orphanet 178464, Orphanet 34521, MedGen C1863599, MONDO:0011362, OMIM 603689.
Autosomal recessive limb-girdle muscular dystrophy type 2J (LGMDR10). Also called: MUSCULAR DYSTROPHY, LIMB-GIRDLE, AUTOSOMAL RECESSIVE 10; Limb-girdle muscular dystrophy, type 2J. Identifiers: Orphanet 140922, MedGen C1837342, MONDO:0012127, OMIM 608807.
Dilated cardiomyopathy 1G (CMD1G). Identifiers: Orphanet 154, MedGen C1858763, MONDO:0011400, OMIM 604145.
Tibial muscular dystrophy (TMD). Also called: Tibial muscular dystrophy, tardive; Udd Distal Myopathy – Tibial Muscular Dystrophy; UDD MYOPATHY. Identifiers: Orphanet 609, MedGen C1838244, MONDO:0010870, OMIM 600334.
Hypertrophic cardiomyopathy 9. Also called: Familial hypertrophic cardiomyopathy 9. Identifiers: MedGen C1861065, MONDO:0013412, OMIM 613765.

Allele frequency attached by ClinVar (database versions not stated): gnomAD exomes below 0.00001 and 0.00001; ExAC 0.00001; TOPMed 0.00002; gnomAD 0.00003.
gnomAD v4.1: 19 of 1,551,726 alleles (0.0012%); highest among the groups gnomAD compares: Non-Finnish European, 0.0016%; no homozygotes.

Submissions (10):

Athena Diagnostics
Classification: Uncertain significance. Last evaluated: 2024-06-14. Review status: criteria provided, single submitter. Criteria: Athena Diagnostics Criteria. Collection method: clinical testing. Allele origin: unknown.
Comment: Available data are insufficient to determine the clinical significance of the variant at this time. The frequency of this variant in the general population is uninformative in assessment of its pathogenicity. Polyphen and MutationTaster yielded discordant predictions regarding whether this amino acid change is damaging to the protein.

Baylor Genetics
Classification: Uncertain significance for Dilated cardiomyopathy 1G. Last evaluated: 2022-11-03. Review status: criteria provided, single submitter. Criteria: ACMG Guidelines, 2015. Collection method: clinical testing. Allele origin: unknown.

Baylor Genetics
Classification: Uncertain significance for Myopathy, myofibrillar, 9, with early respiratory failure. Last evaluated: 2022-11-03. Review status: criteria provided, single submitter. Criteria: ACMG Guidelines, 2015. Collection method: clinical testing. Allele origin: unknown.

Baylor Genetics
Classification: Uncertain significance for Hypertrophic cardiomyopathy 9. Last evaluated: 2022-11-03. Review status: criteria provided, single submitter. Criteria: ACMG Guidelines, 2015. Collection method: clinical testing. Allele origin: unknown.

Baylor Genetics
Classification: Uncertain significance for Tibial muscular dystrophy. Last evaluated: 2022-11-03. Review status: criteria provided, single submitter. Criteria: ACMG Guidelines, 2015. Collection method: clinical testing. Allele origin: unknown.

Baylor Genetics
Classification: Uncertain significance for Autosomal recessive limb-girdle muscular dystrophy type 2J. Last evaluated: 2022-11-03. Review status: criteria provided, single submitter. Criteria: ACMG Guidelines, 2015. Collection method: clinical testing. Allele origin: unknown.

Baylor Genetics
Classification: Uncertain significance for Early-onset myopathy with fatal cardiomyopathy. Last evaluated: 2022-11-03. Review status: criteria provided, single submitter. Criteria: ACMG Guidelines, 2015. Collection method: clinical testing. Allele origin: unknown.

Eurofins Ntd Llc (ga)
Classification: Uncertain significance. Last evaluated: 2016-06-14. Review status: criteria provided, single submitter. Criteria: EGL Classification Definitions 2015. Collection method: clinical testing. Allele origin: germline. Observed: 1 variant allele, 1 heterozygote.

Laboratory for Molecular Medicine, Mass General Brigham Personalized Medicine
Classification: Uncertain significance. Last evaluated: 2014-11-12. Review status: criteria provided, single submitter. Criteria: LMM Criteria. Collection method: clinical testing. Allele origin: germline. Observed: 1 variant allele.
Comment: The p.Pro6267Ser variant in TTN has not been previously reported in individuals with cardiomyopathy and was absent from large population studies. Computational prediction tools and conservation analysis do not provide strong support for or against an impact to the protein. In summary, the clinical significance of the p .Pro6267Ser variant is uncertain.

PreventionGenetics, part of Exact Sciences
Classification: Uncertain significance for TTN-related condition. Last evaluated: 2024-04-26. Review status: no assertion criteria provided. Collection method: clinical testing. Allele origin: germline. Not counted in ClinVar's aggregate classification.
Comment: The TTN c.22531C>T variant is predicted to result in the amino acid substitution p.Pro7511Ser. To our knowledge, this variant has not been reported in the literature. This variant is reported in 0.0018% of alleles in individuals of European (Non-Finnish) descent in gnomAD. At this time, the clinical significance of this variant is uncertain due to the absence of conclusive functional and genetic evidence.

NM_001267550.2(TTN):c.22531C>T (p.Pro7511Ser)

Gene: TTN (titin; minus strand). Cytogenetic location: 2q31.2.
Variant type: single nucleotide variant.
Coding change: c.22531C>T on transcript NM_001267550.2 (MANE Select); coding-DNA position 22531, C replaced by T.
Protein change: p.Pro7511Ser; replaces proline 7511 with serine.
Molecular consequence: missense variant. On other transcripts: intron variant (3).
Genome position (GRCh38, 1-based): chr2:178,722,132, G>A on the plus strand (C>T on the coding strand, the complement: TTN is on the minus strand). VCF-style: chr2-178722132-G-A. GRCh37 (hg19) VCF-style: chr2-179586859-G-A.
Other names: c.18799C>T, p.Pro6267Ser (NM_133378.4); c.21580C>T, p.Pro7194Ser (NM_001256850.1); c.13282+15950C>T (NM_003319.4); c.13858+15950C>T (NM_133437.4); c.13657+15950C>T (NM_133432.3); c.22531C>T (NM_001267550.1); short protein forms P6267S, P7511S, P7194S.
Identifiers: ClinVar variation 180079 (VCV000180079.12), dbSNP rs727505333, ClinGen allele CA185765.